The following is an entry in ClinVar:

ClinVar aggregate classification (germline): not provided (0 of 4 stars; one submission).

Conditions:
Familial cancer of breast. Also called: hereditary breast carcinoma; BREAST CANCER, FAMILIAL; Hereditary breast cancer. Identifiers: Orphanet 227535, MedGen C0346153, MONDO:0016419, OMIM 114480. Disease mechanism: loss of function.

Submissions (2):

Brotman Baty Institute, University of Washington
No classification provided (evidence only). Condition: Breast-ovarian cancer, familial 1. Review status: no classification provided. Collection method: in vitro. Allele origin: not applicable. Functional consequence: functionally_abnormal. Not counted in ClinVar's aggregate classification.
ClinVar note: "not provided" was previously submitted as the classification for the variant. However, the classification appeared to be based only on an observation of functional data so it was converted to no classification on 2025-07-30.

ClinVar Staff, National Center for Biotechnology Information (NCBI)
No classification provided. Condition: Familial cancer of breast. Review status: no classification provided. Collection method: literature only. Allele origin: germline. Affected: yes.

Literature cited by the submitters: PubMed 18835712 (cited by ClinVar Staff, National Center for Biotechnology Information (NCBI)).

NM_007294.4(BRCA1):c.5087T>A (p.Val1696Glu)

Gene: BRCA1 (BRCA1 DNA repair associated; minus strand). Cytogenetic location: 17q21.31.
Variant type: single nucleotide variant.
Coding change: c.5087T>A on transcript NM_007294.4 (MANE Select); coding-DNA position 5087, T replaced by A.
Protein change: p.Val1696Glu; replaces valine 1696 with glutamic acid.
Molecular consequence: missense variant. On other transcripts: non-coding transcript variant (1).
Genome position (GRCh38, 1-based): chr17:43,063,939, A>T on the plus strand (T>A on the coding strand, the complement: BRCA1 is on the minus strand). VCF-style: chr17-43063939-A-T. GRCh37 (hg19) VCF-style: chr17-41215956-A-T.
Other names: c.1652T>A, p.Val551Glu (NM_001408433.1, NM_001408434.1, NM_001408435.1 and 10 more transcripts); c.1643T>A, p.Val548Glu (NM_001408451.1); c.1637T>A, p.Val546Glu (NM_001408452.1, NM_001408453.1, NM_001408454.1 and 3 more transcripts); c.1634T>A, p.Val545Glu (NM_001408458.1, NM_001408459.1, NM_001408460.1 and 7 more transcripts); c.1631T>A, p.Val544Glu (NM_001408470.1, NM_001408468.1, NM_001408469.1); c.1775T>A, p.Val592Glu (NM_001408472.1, NM_001407990.1, NM_001407991.1 and 13 more transcripts); c.1772T>A, p.Val591Glu (NM_001408473.1, NM_001408392.1, NM_001408396.1 and 8 more transcripts); c.1577T>A, p.Val526Glu (NM_001408474.1); and 71 more; short protein forms V1696E, V592E, V1649E, V1717E, V1607E, V1626E, V1629E, V1654E.
Identifiers: ClinVar variation 55391 (VCV000055391.4), dbSNP rs397509226, ClinGen allele CA003225.